The following is an entry in ClinVar:

NM_032043.3(BRIP1):c.93T>C (p.Ser31=)

Gene: BRIP1 (BRCA1 interacting DNA helicase 1; minus strand). Cytogenetic location: 17q23.2.
Variant type: single nucleotide variant.
Coding change: c.93T>C on transcript NM_032043.3 (MANE Select); coding-DNA position 93, T replaced by C.
Protein change: p.Ser31=; no amino-acid change (serine 31 retained).
Molecular consequence: synonymous variant.
Genome position (GRCh38, 1-based): chr17:61,861,447, A>G on the plus strand (T>C on the coding strand, the complement: BRIP1 is on the minus strand). VCF-style: chr17-61861447-A-G. GRCh37 (hg19) VCF-style: chr17-59938808-A-G.
Identifiers: ClinVar variation 530290 (VCV000530290.9), dbSNP rs1555618697, ClinGen allele CA501151811.

ClinVar aggregate classification (germline): Uncertain significance (1 of 4 stars; one submission).

Conditions:
Fanconi anemia complementation group J. Also called: BRIP1-Related Fanconi Anemia. Identifiers: Orphanet 84, MedGen C1836860, MONDO:0012187, OMIM 609054.
Familial cancer of breast. Also called: BREAST CANCER, FAMILIAL; hereditary breast carcinoma; Hereditary breast cancer. Identifiers: Orphanet 227535, MedGen C0346153, MONDO:0016419, OMIM 114480. Disease mechanism: loss of function.

Submission:

Labcorp Genetics (formerly Invitae), Labcorp
Classification: Uncertain significance for Familial cancer of breast; Fanconi anemia complementation group J. Last evaluated: 2024-07-29. Review status: criteria provided, single submitter. Criteria: Invitae Variant Classification Sherloc (09022015). Collection method: clinical testing. Allele origin: germline.
Comment: This sequence change affects codon 31 of the BRIP1 mRNA. It is a 'silent' change, meaning that it does not change the encoded amino acid sequence of the BRIP1 protein. It affects a nucleotide within the consensus splice site. This variant is not present in population databases (gnomAD no frequency). This variant has not been reported in the literature in individuals affected with BRIP1-related conditions. ClinVar contains an entry for this variant (Variation ID: 530290). Algorithms developed to predict the effect of sequence changes on RNA splicing suggest that this variant is not likely to affect RNA splicing. In summary, the available evidence is currently insufficient to determine the role of this variant in disease. Therefore, it has been classified as a Variant of Uncertain Significance.